The following is an entry in ClinVar:

NM_004260.4(RECQL4):c.2285A>G (p.Gln762Arg)

Gene: RECQL4 (RecQ like helicase 4; minus strand). Cytogenetic location: 8q24.3.
Variant type: single nucleotide variant.
Coding change: c.2285A>G on transcript NM_004260.4 (MANE Select); coding-DNA position 2285, A replaced by G.
Protein change: p.Gln762Arg; replaces glutamine 762 with arginine.
Molecular consequence: missense variant.
Genome position (GRCh38, 1-based): chr8:144,513,396, T>C on the plus strand (A>G on the coding strand, the complement: RECQL4 is on the minus strand). VCF-style: chr8-144513396-T-C. GRCh37 (hg19) VCF-style: chr8-145738780-T-C.
Other names: short protein forms Q762R.
Identifiers: ClinVar variation 582727 (VCV000582727.11), dbSNP rs543333975, ClinGen allele CA4948349.

ClinVar aggregate classification (germline): Uncertain significance. Review status: criteria provided, multiple submitters, no conflicts (2 of 4 stars). 2 submissions from 2 submitters: Uncertain significance (2). Last evaluated 2025-12-24.

Conditions:
Baller-Gerold syndrome (BGS). Also called: CRANIOSYNOSTOSIS WITH RADIAL DEFECTS. Identifiers: Orphanet 1225, MedGen C0265308, MONDO:0009039, OMIM 218600.
Inborn genetic diseases. Identifiers: MedGen C0950123, MeSH D030342.

Allele frequency attached by ClinVar (database versions not stated): gnomAD exomes 0.00001 and 0.00002; ExAC 0.00003; TOPMed 0.00009; gnomAD 0.00014 and 0.00015; 1000 Genomes Project 30x 0.00016; 1000 Genomes Project 0.00020.

Submissions (2):

Labcorp Genetics (formerly Invitae), Labcorp
Classification: Uncertain significance for Baller-Gerold syndrome. Last evaluated: 2025-12-24. Review status: criteria provided, single submitter. Criteria: Invitae Variant Classification Sherloc (09022015). Collection method: clinical testing. Allele origin: germline.
Comment: This sequence change replaces glutamine, which is neutral and polar, with arginine, which is basic and polar, at codon 762 of the RECQL4 protein (p.Gln762Arg). This variant is present in population databases (rs543333975, gnomAD 0.04%). This variant has not been reported in the literature in individuals affected with RECQL4-related conditions. ClinVar contains an entry for this variant (Variation ID: 582727). Invitae Evidence Modeling of protein sequence and biophysical properties (such as structural, functional, and spatial information, amino acid conservation, physicochemical variation, residue mobility, and thermodynamic stability) indicates that this missense variant is not expected to disrupt RECQL4 protein function with a negative predictive value of 80%. In summary, the available evidence is currently insufficient to determine the role of this variant in disease. Therefore, it has been classified as a Variant of Uncertain Significance.

Ambry Genetics
Classification: Uncertain significance for Inborn genetic diseases. Last evaluated: 2025-04-11. Review status: criteria provided, single submitter. Criteria: Ambry Variant Classification Scheme 2023. Collection method: clinical testing. Allele origin: germline.